The following is an entry in ClinVar:

NM_015557.3(CHD5):c.5331C>G (p.His1777Gln)

Gene: CHD5 (chromodomain helicase DNA binding protein 5; minus strand). Cytogenetic location: 1p36.31.
Variant type: single nucleotide variant.
Coding change: c.5331C>G on transcript NM_015557.3 (MANE Select); coding-DNA position 5331, C replaced by G.
Protein change: p.His1777Gln; replaces histidine 1777 with glutamine.
Molecular consequence: missense variant.
Genome position (GRCh38, 1-based): chr1:6,110,445, G>C on the plus strand (C>G on the coding strand, the complement: CHD5 is on the minus strand). VCF-style: chr1-6110445-G-C. GRCh37 (hg19) VCF-style: chr1-6170505-G-C.
Other names: short protein forms H1777Q.
Identifiers: ClinVar variation 4995479 (VCV004995479.1).

ClinVar aggregate classification (germline): Uncertain significance (1 of 4 stars; one submission).

Conditions:
CHD5-related disorder. Also called: CHD5-related condition.

Submission:

PreventionGenetics, part of Exact Sciences
Classification: Uncertain significance for CHD5-related condition. Last evaluated: 2026-04-11. Review status: criteria provided, single submitter. Criteria: ACMG Guidelines, 2015. Collection method: clinical testing. Allele origin: germline.
Comment: The CHD5 c.5331C>G variant is predicted to result in the amino acid substitution p.His1777Gln. To our knowledge, this variant has not been reported in the literature or in a large population database (gnomAD), indicating this variant is rare. At this time, the clinical significance of this variant is uncertain due to the absence of conclusive functional and genetic evidence.